The following is an entry in ClinVar:

ClinVar aggregate classification (germline): Uncertain significance. Review status: criteria provided, multiple submitters, no conflicts (2 of 4 stars). 3 submissions from 3 submitters: Uncertain significance (2). 1 of the submissions does not count toward it. Last evaluated 2022-07-06.

Conditions:
Keratoconus 1 (KTCN1). Identifiers: MedGen C1835677, MONDO:0007851, OMIM 148300.

gnomAD v4.1: 1 of 1,526,284 alleles (0.000066%); highest among the groups gnomAD compares: East Asian, 0.0025%; no homozygotes.

Submissions (3):

Labcorp Genetics (formerly Invitae), Labcorp
Classification: Uncertain significance. Last evaluated: 2022-07-06. Review status: criteria provided, single submitter. Criteria: Invitae Variant Classification Sherloc (09022015). Collection method: clinical testing. Allele origin: germline.
Comment: This sequence change replaces arginine, which is basic and polar, with glutamine, which is neutral and polar, at codon 1079 of the ZNF469 protein (p.Arg1079Gln). This variant is not present in population databases (gnomAD no frequency). This missense change has been observed in individual(s) with ZNF469-related conditions (PMID: 24895405). ClinVar contains an entry for this variant (Variation ID: 126941). Algorithms developed to predict the effect of missense changes on protein structure and function output the following: SIFT: "Tolerated"; PolyPhen-2: "Benign"; Align-GVGD: "Class C0". The glutamine amino acid residue is found in multiple mammalian species, which suggests that this missense change does not adversely affect protein function. In summary, the available evidence is currently insufficient to determine the role of this variant in disease. Therefore, it has been classified as a Variant of Uncertain Significance.

Breakthrough Genomics
Classification: Uncertain significance. Review status: criteria provided, single submitter. Criteria: ACMG Guidelines, 2015. Collection method: not provided. Allele origin: germline. Inheritance: Autosomal recessive inheritance. Affected: yes.

Willoughby Group, Queen's University Belfast
Classification: Benign for Keratoconus 1. Review status: no assertion criteria provided. Collection method: not provided. Allele origin: germline. Not counted in ClinVar's aggregate classification.
ClinVar note: Converted during submission from non-pathogenic to Benign.

Literature cited by the submitters: PubMed 24895405 (cited by Labcorp Genetics (formerly Invitae), Labcorp).

NM_001367624.2(ZNF469):c.3320G>A (p.Arg1107Gln)

Gene: ZNF469 (zinc finger protein 469; plus strand). Cytogenetic location: 16q24.2.
Variant type: single nucleotide variant.
Coding change: c.3320G>A on transcript NM_001367624.2 (MANE Select); coding-DNA position 3320, G replaced by A.
Protein change: p.Arg1107Gln; replaces arginine 1107 with glutamine.
Molecular consequence: missense variant.
Genome position (GRCh38, 1-based): chr16:88,430,790, G>A. VCF-style: chr16-88430790-G-A. GRCh37 (hg19) VCF-style: chr16-88497198-G-A.
Other names: short protein forms R1107Q.
Identifiers: ClinVar variation 126941 (VCV000126941.7), dbSNP rs281865148, ClinGen allele CA151321.